The following is an entry in ClinVar:

ClinVar aggregate classification (germline): Pathogenic (1 of 4 stars; one submission).

Conditions:
Birt-Hogg-Dube syndrome. Also called: Birt Hogg Dubé syndrome. Identifiers: Orphanet 122, MedGen C0346010, MONDO:0800444.

Submission:

Labcorp Genetics (formerly Invitae), Labcorp
Classification: Pathogenic for Birt-Hogg-Dube syndrome. Last evaluated: 2021-09-05. Review status: criteria provided, single submitter. Criteria: Invitae Variant Classification Sherloc (09022015). Collection method: clinical testing. Allele origin: germline.
Comment: This variant results in the deletion of exons 8-14 and part of exon 7 (c.703_*9701delinsCTAC) of the FLCN gene. While this deletion is not anticipated to lead to nonsense mediated decay, it is expected to alter mRNA translation or result in a truncated protein product. For these reasons, this variant has been classified as Pathogenic. This variant disrupts a region of the FLCN protein in which other variant(s) (p.Arg527*) have been determined to be pathogenic (PMID: 15852235; Invitae). This suggests that this is a clinically significant region of the protein, and that variants that disrupt it are likely to be disease-causing. This variant has not been reported in the literature in individuals affected with FLCN-related conditions.

Literature cited by the submitters: PubMed 15852235.

NC_000017.10:g.(?_17107268)_(17125891_?)del

Genes: FLCN (folliculin; minus strand), PLD6 (phospholipase D family member 6; minus strand). Cytogenetic location: 17p11.2.
Variant type: Deletion.
Identifiers: ClinVar variation 1458083 (VCV001458083.6).